The following is an entry in ClinVar:

NM_017514.5(PLXNA3):c.5232G>A (p.Thr1744=)

Gene: PLXNA3 (plexin A3; plus strand). Cytogenetic location: Xq28.
Variant type: single nucleotide variant.
Coding change: c.5232G>A on transcript NM_017514.5 (MANE Select); coding-DNA position 5232, G replaced by A.
Protein change: p.Thr1744=; no amino-acid change (threonine 1744 retained).
Molecular consequence: synonymous variant.
Genome position (GRCh38, 1-based): chrX:154,471,180, G>A. VCF-style: chrX-154471180-G-A. GRCh37 (hg19) VCF-style: chrX-153699523-G-A.
Identifiers: ClinVar variation 3028992 (VCV003028992.2), dbSNP rs782434703, ClinGen allele CA10565078.

ClinVar aggregate classification (germline): Likely benign (0 of 4 stars; one submission).

Conditions:
PLXNA3-related disorder. Also called: PLXNA3-related condition.

Allele frequency attached by ClinVar (database versions not stated): ExAC 0.00001; gnomAD exomes 0.00002; gnomAD 0.00004; TOPMed 0.00004.
gnomAD v4.1: 24 of 1,208,971 alleles (0.002%); highest among the groups gnomAD compares: East Asian, 0.012%; no homozygotes.

Submission:

PreventionGenetics, part of Exact Sciences
Classification: Likely benign for PLXNA3-related condition. Last evaluated: 2022-04-29. Review status: no assertion criteria provided. Collection method: clinical testing. Allele origin: germline.
Comment: This variant is classified as likely benign based on ACMG/AMP sequence variant interpretation guidelines (Richards et al. 2015 PMID: 25741868, with internal and published modifications).